The following is an entry in ClinVar:

NM_021930.6(RINT1):c.1499C>A (p.Ser500Tyr)

Gene: RINT1 (RAD50 interactor 1; plus strand). Cytogenetic location: 7q22.3.
Variant type: single nucleotide variant.
Coding change: c.1499C>A on transcript NM_021930.6 (MANE Select); coding-DNA position 1499, C replaced by A.
Protein change: p.Ser500Tyr; replaces serine 500 with tyrosine.
Molecular consequence: missense variant.
Genome position (GRCh38, 1-based): chr7:105,555,055, C>A. VCF-style: chr7-105555055-C-A. GRCh37 (hg19) VCF-style: chr7-105195502-C-A.
Other names: c.1265C>A, p.Ser422Tyr (NM_001346599.2); c.476C>A, p.Ser159Tyr (NM_001346600.2, NM_001346603.2); c.575C>A, p.Ser192Tyr (NM_001346601.2); short protein forms S159Y, S192Y, S422Y, S500Y.
Identifiers: ClinVar variation 3314439 (VCV003314439.1).

ClinVar aggregate classification (germline): Uncertain significance (1 of 4 stars; one submission).

Submission:

Ambry Genetics
Classification: Uncertain significance. Last evaluated: 2024-03-25. Review status: criteria provided, single submitter. Criteria: Ambry Variant Classification Scheme 2023. Collection method: clinical testing. Allele origin: germline.
Comment: The p.S500Y variant (also known as c.1499C>A), located in coding exon 11 of the RINT1 gene, results from a C to A substitution at nucleotide position 1499. The serine at codon 500 is replaced by tyrosine, an amino acid with dissimilar properties. This amino acid position is conserved. In addition, the in silico prediction for this alteration is inconclusive. Based on the available evidence, the clinical significance of this alteration remains unclear.